The following is an entry in ClinVar:

NM_004629.2(FANCG):c.124T>G (p.Leu42Val)

Gene: FANCG (FA complementation group G; minus strand). Cytogenetic location: 9p13.3.
Variant type: single nucleotide variant.
Coding change: c.124T>G on transcript NM_004629.2 (MANE Select); coding-DNA position 124, T replaced by G.
Protein change: p.Leu42Val; replaces leucine 42 with valine.
Molecular consequence: missense variant.
Genome position (GRCh38, 1-based): chr9:35,079,202, A>C on the plus strand (T>G on the coding strand, the complement: FANCG is on the minus strand). VCF-style: chr9-35079202-A-C. GRCh37 (hg19) VCF-style: chr9-35079199-A-C.
Other names: short protein forms L42V.
Identifiers: ClinVar variation 5036501 (VCV005036501.1).

ClinVar aggregate classification (germline): Uncertain significance (1 of 4 stars; one submission).

Conditions:
Inborn genetic diseases. Identifiers: MedGen C0950123, MeSH D030342.

Submission:

Ambry Genetics
Classification: Uncertain significance for Inborn genetic diseases. Last evaluated: 2026-07-09. Review status: criteria provided, single submitter. Criteria: Ambry Variant Classification Scheme 2023. Collection method: clinical testing. Allele origin: germline.
Comment: The p.L42V variant (also known as c.124T>G), located in coding exon 2 of the FANCG gene, results from a T to G substitution at nucleotide position 124. The leucine at codon 42 is replaced by valine, an amino acid with highly similar properties. This amino acid position is conserved. In addition, this alteration is predicted to be tolerated by in silico analysis. Based on the available evidence, the clinical significance of this variant remains unclear.